The following is an entry in ClinVar:

NM_153240.5(NPHP3):c.1743+5_1743+9del

Genes: NPHP3 (nephrocystin 3; minus strand), NPHP3-ACAD11 (NPHP3-ACAD11 readthrough (NMD candidate); minus strand). Cytogenetic location: 3q22.1.
Variant type: Deletion.
Coding change: c.1743+5_1743+9del on transcript NM_153240.5 (MANE Select); bases 5 to 9 of the intron after coding-DNA position 1743, 5 bases deleted (AGTAT; older notation c.1743+5_1743+9delAGTAT).
Molecular consequence: splice donor variant.
Genome position (GRCh38, 1-based): chr3:132,700,325-132,700,329, ATACT deleted on the plus strand (AGTAT on the coding strand, the reverse complement: NPHP3 is on the minus strand); deleting any 5 consecutive bases within chr3:132,700,325-132,700,333 gives the same sequence; the c. name uses the placement nearest the transcript's 3' end. VCF-style (leftmost placement, unchanged base first): chr3-132700324-GATACT-G. GRCh37 (hg19) VCF-style: chr3-132419168-GATACT-G.
Identifiers: ClinVar variation 4989264 (VCV004989264.1).
Genomic context (GRCh38, chr3:132,700,324, plus strand): 5'-GTACTTATTAGTCCCAACAATTTCTGAATCTAAATAAAATTCTGTAATTCCAAAAGATGG[GATACT>G]ATACCTTTAGAGTTAGTCGTTTAATAATCAAGGAGGACTCTGAGCTGGTTGACATGGGCC-3'

ClinVar aggregate classification (germline): Likely benign (1 of 4 stars; one submission).

Conditions:
NPHP3-related disorder. Also called: NPHP3-related disorders; NPHP3-related condition. Identifiers: MedGen CN379163.

Submission:

PreventionGenetics, part of Exact Sciences
Classification: Likely benign for NPHP3-related condition. Last evaluated: 2024-12-28. Review status: criteria provided, single submitter. Criteria: ACMG Guidelines, 2015. Collection method: clinical testing. Allele origin: germline.
Comment: This variant is classified as likely benign based on ACMG/AMP sequence variant interpretation guidelines (Richards et al. 2015 PMID: 25741868, with internal and published modifications).